The following is an entry in ClinVar:

NM_005228.5(EGFR):c.2824G>A (p.Asp942Asn)

Gene: EGFR (epidermal growth factor receptor; plus strand). Cytogenetic location: 7p11.2.
Variant type: single nucleotide variant.
Coding change: c.2824G>A on transcript NM_005228.5 (MANE Select); coding-DNA position 2824, G replaced by A.
Protein change: p.Asp942Asn; replaces aspartic acid 942 with asparagine.
Molecular consequence: missense variant.
Genome position (GRCh38, 1-based): chr7:55,198,839, G>A. VCF-style: chr7-55198839-G-A. GRCh37 (hg19) VCF-style: chr7-55266532-G-A.
Other names: c.2689G>A, p.Asp897Asn (NM_001346897.2, NM_001346899.2); c.2824G>A, p.Asp942Asn (NM_001346898.2); c.2665G>A, p.Asp889Asn (NM_001346900.2); c.2023G>A, p.Asp675Asn (NM_001346941.2); c.2824G>A (NM_005228.3); short protein forms D675N, D889N, D897N, D942N.
Identifiers: ClinVar variation 1061326 (VCV001061326.8), dbSNP rs967910623, ClinGen allele CA158936942.
Genomic context (GRCh38, chr7:55,198,839, plus strand): 5'-GAGATCTCCTCCATCCTGGAGAAAGGAGAACGCCTCCCTCAGCCACCCATATGTACCATC[G>A]ATGTCTACATGATCATGGTCAAGTGTGAGTGACTGGTGGGTCTGTCCACACTGCCTAGCT-3'
Protein context (NP_005219.2, residues 932-952): RLPQPPICTI[Asp942Asn]VYMIMVKCWM

ClinVar aggregate classification (germline): Uncertain significance. Review status: criteria provided, multiple submitters, no conflicts (2 of 4 stars). 2 submissions from 2 submitters: Uncertain significance (2). Last evaluated 2025-10-02.

Conditions:
Hereditary cancer-predisposing syndrome. Also called: Neoplastic Syndromes, Hereditary; Hereditary Cancer Syndrome; Hereditary neoplastic syndrome; Tumor predisposition. Identifiers: Orphanet 140162, MedGen C0027672, MeSH D009386, MONDO:0015356.
EGFR-related lung cancer (EGFR). Identifiers: MedGen CN130014.

Allele frequency attached by ClinVar (database versions not stated): gnomAD exomes below 0.00001.
gnomAD v4.1: 14 of 1,614,040 alleles (0.00087%); highest among the groups gnomAD compares: Non-Finnish European, 0.0012%; no homozygotes.

Submissions (2):

Labcorp Genetics (formerly Invitae), Labcorp
Classification: Uncertain significance for EGFR-related lung cancer. Last evaluated: 2025-10-02. Review status: criteria provided, single submitter. Criteria: Invitae Variant Classification Sherloc (09022015). Collection method: clinical testing. Allele origin: germline.
Comment: This sequence change replaces aspartic acid, which is acidic and polar, with asparagine, which is neutral and polar, at codon 942 of the EGFR protein (p.Asp942Asn). This variant is present in population databases (no rsID available, gnomAD 0.0009%). This variant has not been reported in the literature in individuals affected with EGFR-related conditions. ClinVar contains an entry for this variant (Variation ID: 1061326). Invitae Evidence Modeling of protein sequence and biophysical properties (such as structural, functional, and spatial information, amino acid conservation, physicochemical variation, residue mobility, and thermodynamic stability) indicates that this missense variant is expected to disrupt EGFR protein function with a positive predictive value of 80%. In summary, the available evidence is currently insufficient to determine the role of this variant in disease. Therefore, it has been classified as a Variant of Uncertain Significance.

Ambry Genetics
Classification: Uncertain significance for Hereditary cancer-predisposing syndrome. Last evaluated: 2025-04-19. Review status: criteria provided, single submitter. Criteria: Ambry Variant Classification Scheme 2023. Collection method: clinical testing. Allele origin: germline.
Comment: The p.D942N variant (also known as c.2824G>A), located in coding exon 23 of the EGFR gene, results from a G to A substitution at nucleotide position 2824. The aspartic acid at codon 942 is replaced by asparagine, an amino acid with highly similar properties. This amino acid position is conserved. In addition, the in silico prediction for this alteration is inconclusive. Based on the available evidence, the clinical significance of this variant remains unclear.